The following is an entry in ClinVar:

ClinVar aggregate classification (germline): Uncertain significance (1 of 4 stars; one submission).

Allele frequency attached by ClinVar (database versions not stated): gnomAD exomes below 0.00001.
gnomAD v4.1: 2 of 1,549,448 alleles (0.00013%); highest among the groups gnomAD compares: Admixed American, 0.002%; no homozygotes.

Submission:

Labcorp Genetics (formerly Invitae), Labcorp
Classification: Uncertain significance. Last evaluated: 2022-02-11. Review status: criteria provided, single submitter. Criteria: Invitae Variant Classification Sherloc (09022015). Collection method: clinical testing. Allele origin: germline.
Comment: This variant is not present in population databases (gnomAD no frequency). This variant has not been reported in the literature in individuals affected with OTOG-related conditions. Algorithms developed to predict the effect of missense changes on protein structure and function are either unavailable or do not agree on the potential impact of this missense change (SIFT: "Tolerated"; PolyPhen-2: "Probably Damaging"; Align-GVGD: "Class C0"). In summary, the available evidence is currently insufficient to determine the role of this variant in disease. Therefore, it has been classified as a Variant of Uncertain Significance. This sequence change replaces asparagine, which is neutral and polar, with aspartic acid, which is acidic and polar, at codon 2508 of the OTOG protein (p.Asn2508Asp).

NM_001292063.2(OTOG):c.7486A>G (p.Asn2496Asp)

Gene: OTOG (otogelin; plus strand). Cytogenetic location: 11p15.1.
Variant type: single nucleotide variant.
Coding change: c.7486A>G on transcript NM_001292063.2 (MANE Select); coding-DNA position 7486, A replaced by G.
Protein change: p.Asn2496Asp; replaces asparagine 2496 with aspartic acid.
Molecular consequence: missense variant.
Genome position (GRCh38, 1-based): chr11:17,634,849, A>G. VCF-style: chr11-17634849-A-G. GRCh37 (hg19) VCF-style: chr11-17656396-A-G.
Other names: c.7522A>G, p.Asn2508Asp (NM_001277269.2); short protein forms N2496D, N2508D.
Identifiers: ClinVar variation 1902468 (VCV001902468.5), dbSNP rs2497620242, ClinGen allele CA379812496.
Genomic context (GRCh38, chr11:17,634,849, plus strand): 5'-GAGCAGTGGGGACATCCGGCCCCGAGGTGACAGGCCCTGTGGTCCCCGGGGCCAGTGTGT[A>G]ACCAGACTCTGTGTGAGGGTCTCGCCCCCACATGCCGCCCAGGCCACCGCCTCCTCACCC-3'
Protein context (NP_001278992.1, residues 2486-2506): PCCLGTVCVC[Asn2496Asp]QTLCEGLAPT